The following is an entry in ClinVar:

ClinVar aggregate classification (germline): Uncertain significance (1 of 4 stars; one submission).

Conditions:
Common variable immunodeficiency (CVID). Also called: Common variable hypogamma-globulinemia; Common variable agammaglobulinemia. Identifiers: Orphanet 1572, MedGen C0009447, MONDO:0015517.

Submission:

Labcorp Genetics (formerly Invitae), Labcorp
Classification: Uncertain significance for Common variable immunodeficiency. Last evaluated: 2024-11-24. Review status: criteria provided, single submitter. Criteria: Invitae Variant Classification Sherloc (09022015). Collection method: clinical testing. Allele origin: germline.
Comment: This sequence change creates a premature translational stop signal (p.Gly14Alafs*55) in the TNFSF12 gene. It is expected to result in an absent or disrupted protein product. However, the current clinical and genetic evidence is not sufficient to establish whether loss-of-function variants in TNFSF12 cause disease. This variant is not present in population databases (gnomAD no frequency). This variant has not been reported in the literature in individuals affected with TNFSF12-related conditions. In summary, the available evidence is currently insufficient to determine the role of this variant in disease. Therefore, it has been classified as a Variant of Uncertain Significance.

NM_003809.3(TNFSF12):c.41_50del (p.Gly14fs)

Genes: TNFSF12 (TNF superfamily member 12; plus strand), TNFSF12-TNFSF13 (TNFSF12-TNFSF13 readthrough; plus strand), LOC130060153 (ATAC-STARR-seq lymphoblastoid silent region 8127; plus strand). Cytogenetic location: 17p13.1.
Variant type: Deletion.
Coding change: c.41_50del on transcript NM_003809.3 (MANE Select); coding-DNA positions 41 to 50, 10 bases deleted (GGGAGCCGGG; older notation c.41_50delGGGAGCCGGG).
Protein change: p.Gly14fs; shifts the reading frame from glycine 14.
Molecular consequence: frameshift variant. On other transcripts: non-coding transcript variant (1).
Genome position (GRCh38, 1-based): chr17:7,549,194-7,549,203, GGGAGCCGGG deleted; deleting any 10 consecutive bases within chr17:7,549,188-7,549,203 gives the same sequence; the c. name uses the placement nearest the transcript's 3' end. VCF-style (leftmost placement, unchanged base first): chr17-7549187-CGCCGGGGGGA-C. GRCh37 (hg19) VCF-style: chr17-7452504-CGCCGGGGGGA-C.
Other names: c.41_50del, p.Gly14fs (NM_172089.4); short protein forms G14fs.
Identifiers: ClinVar variation 3724983 (VCV003724983.2).